The following is an entry in ClinVar:

ClinVar aggregate classification (germline): Uncertain significance (1 of 4 stars; one submission).

Conditions:
Arts syndrome (ARTS). Also called: MENTAL RETARDATION, X-LINKED, SYNDROMIC 18; MENTAL RETARDATION, X-LINKED, SYNDROMIC, ARTS TYPE; ARTS SYNDROME AND PHOSPHORIBOSYLPYROPHOSPHATE SYNTHETASE SUPERACTIVITY. Identifiers: Orphanet 1187, MedGen C0796028, MONDO:0010533, OMIM 301835.

Submission:

Victorian Clinical Genetics Services, Murdoch Childrens Research Institute
Classification: Uncertain significance for Arts syndrome. Last evaluated: 2022-02-02. Review status: criteria provided, single submitter. Criteria: ACMG Guidelines, 2015. Collection method: clinical testing. Allele origin: germline. Inheritance: X-linked inheritance. Affected: yes.
Comment: Based on the classification scheme VCGS_Germline_v1.3.4, this variant is classified as VUS-3A. Following criteria are met: 0103 - Loss of function and gain of function are known mechanisms of disease in this gene and are associated with PRPS1-related disease. Loss of function missense variants have been reported to cause Arts syndrome (MIM#301835), X-linked Charcot-Marie-Tooth disease 5 (MIM#311070), and deafness 1 (MIM#304500). Gain of function missense variants have been reported to cause PRPS-related gout and phosphoribosylpyrophosphate synthetase superactivity (MIM#300661) (OMIM, PMID: 32781272, PMID: 7593598). (I) 0109 - This gene is associated with X-linked disease. Females can be both mildly affected and asymptomatic, with some evidence that this is dependant on skewed X-chromosome inactivation (OMIM, PMID: 32781272, PMID: 17701896). (I) 0115 - Variants in this gene are known to have variable expressivity (PMID: 32781272). (I) 0200 - Variant is predicted to result in a missense amino acid change from tyrosine to histidine. (I) 0251 - This variant is heterozygous. (I) 0301 - Variant is absent from gnomAD (both v2 and v3). (SP) 0502 - Missense variant with conflicting in silico predictions and uninformative conservation. (I) 0603 - Missense variant in a region that is highly intolerant to missense variation (high constraint region in DECIPHER). (SP) 0705 - No comparable missense variants have previous evidence for pathogenicity. (I) 0807 - This variant has no previous evidence of pathogenicity. (I) 0905 - No published segregation evidence has been identified for this variant. (I) 1007 - No published functional evidence has been identified for this variant. (I) Legend: (SP) - Supporting pathogenic, (I) - Information, (SB) - Supporting benign

Literature cited by the submitters: PubMed 7593598; PubMed 17701896; PubMed 32781272.

NM_002764.4(PRPS1):c.733T>C (p.Tyr245His)

Gene: PRPS1 (phosphoribosyl pyrophosphate synthetase 1; plus strand). Cytogenetic location: Xq22.3.
Variant type: single nucleotide variant.
Coding change: c.733T>C on transcript NM_002764.4 (MANE Select); coding-DNA position 733, T replaced by C.
Protein change: p.Tyr245His; replaces tyrosine 245 with histidine.
Molecular consequence: missense variant.
Genome position (GRCh38, 1-based): chrX:107,647,634, T>C. VCF-style: chrX-107647634-T-C. GRCh37 (hg19) VCF-style: chrX-106890864-T-C.
Other names: c.121T>C, p.Tyr41His (NM_001204402.2); short protein forms Y245H, Y41H.
Identifiers: ClinVar variation 1806212 (VCV001806212.2), dbSNP rs2521349509, ClinGen allele CA413814386.
Genomic context (GRCh38, chrX:107,647,634, plus strand): 5'-GATGAATCCAAATCAACATTTTTTCCCTCTAGACTTCTCTCAGCTGGCGCCACCAGAGTT[T>C]ATGCCATCTTGACTCATGGAATCTTCTCCGGTCCTGCTATTTCTCGCATCAACAACGCAT-3'
Protein context (NP_002755.1, residues 235-255): KLLSAGATRV[Tyr245His]AILTHGIFSG